The following is an entry in ClinVar:

ClinVar aggregate classification (germline): Uncertain significance (1 of 4 stars; one submission).

Conditions:
Hyperekplexia 3 (HKPX3). Also called: HYPEREKPLEXIA 3, AUTOSOMAL RECESSIVE; HYPEREKPLEXIA 3, AUTOSOMAL DOMINANT. Identifiers: Orphanet 3197, MedGen C3553288, MONDO:0013827, OMIM 614618.

Submission:

Labcorp Genetics (formerly Invitae), Labcorp
Classification: Uncertain significance for Hyperekplexia 3. Last evaluated: 2022-03-19. Review status: criteria provided, single submitter. Criteria: Invitae Variant Classification Sherloc (09022015). Collection method: clinical testing. Allele origin: germline.
Comment: This sequence change replaces phenylalanine, which is neutral and non-polar, with leucine, which is neutral and non-polar, at codon 428 of the SLC6A5 protein (p.Phe428Leu). This variant is not present in population databases (gnomAD no frequency). This variant has not been reported in the literature in individuals affected with SLC6A5-related conditions. Advanced modeling of protein sequence and biophysical properties (such as structural, functional, and spatial information, amino acid conservation, physicochemical variation, residue mobility, and thermodynamic stability) performed at Invitae indicates that this missense variant is not expected to disrupt SLC6A5 protein function. In summary, the available evidence is currently insufficient to determine the role of this variant in disease. Therefore, it has been classified as a Variant of Uncertain Significance.

NM_004211.5(SLC6A5):c.1282T>C (p.Phe428Leu)

Gene: SLC6A5 (solute carrier family 6 member 5; plus strand). Cytogenetic location: 11p15.1.
Variant type: single nucleotide variant.
Coding change: c.1282T>C on transcript NM_004211.5 (MANE Select); coding-DNA position 1282, T replaced by C.
Protein change: p.Phe428Leu; replaces phenylalanine 428 with leucine.
Molecular consequence: missense variant.
Genome position (GRCh38, 1-based): chr11:20,626,729, T>C. VCF-style: chr11-20626729-T-C. GRCh37 (hg19) VCF-style: chr11-20648275-T-C.
Other names: c.580T>C, p.Phe194Leu (NM_001318369.2); short protein forms F194L, F428L.
Identifiers: ClinVar variation 1508733 (VCV001508733.8), dbSNP rs2133798440, ClinGen allele CA379916916.